The following is an entry in ClinVar:

ClinVar aggregate classification (germline): Pathogenic (1 of 4 stars; one submission).

Conditions:
Tuberous sclerosis 1 (TSC1). Identifiers: Orphanet 805, MedGen C1854465, MONDO:0008612, OMIM 191100.

Submission:

Labcorp Genetics (formerly Invitae), Labcorp
Classification: Pathogenic for Tuberous sclerosis 1. Last evaluated: 2019-06-03. Review status: criteria provided, single submitter. Criteria: Invitae Variant Classification Sherloc (09022015). Collection method: clinical testing. Allele origin: germline.
Comment: This variant is a gross deletion of the genomic region encompassing exons 3-12 of the TSC1 gene, which includes the initiator codon. The 5' end of this event is unknown as it extends beyond the assayed region for this gene and therefore may encompass additional genes. The 3' boundary is likely confined to intron 12 of the TSC1 gene. This is expected to result in an absent or disrupted protein product. This variant has not been reported in the literature in individuals with TSC1-related conditions. Loss-of-function variants in TSC1 are known to be pathogenic (PMID: 10227394, 17304050). For these reasons, this variant has been classified as Pathogenic.

Literature cited by the submitters: PubMed 10227394; PubMed 17304050.

NC_000009.12:g.(?_132910551)_(132928892_?)del

Gene: TSC1 (TSC complex subunit 1; minus strand). Cytogenetic location: 9q34.13.
Variant type: Deletion.
Identifiers: ClinVar variation 830564 (VCV000830564.2).